The following is an entry in ClinVar:

ClinVar aggregate classification (germline): Conflicting classifications of pathogenicity. Review status: criteria provided, conflicting classifications (1 of 4 stars). 4 submissions from 4 submitters: Likely pathogenic (1); Uncertain significance (3). Last evaluated 2026-05-26.

Conditions:
Progressive sclerosing poliodystrophy (MTDPS4A). Also called: Mitochondrial DNA Depletion Syndrome 4A; ALPERS PROGRESSIVE INFANTILE POLIODYSTROPHY; Alpers Syndrome; NEURONAL DEGENERATION OF CHILDHOOD WITH LIVER DISEASE, PROGRESSIVE; Alpers-Huttenlocher Syndrome (AHS); ALPERS DIFFUSE DEGENERATION OF CEREBRAL GRAY MATTER WITH HEPATIC CIRRHOSIS. Identifiers: Orphanet 726, MedGen C0205710, MONDO:0008758, OMIM 203700.
POLG-related disorder. Also called: POLG-Related Spectrum Disorders; POLG-related condition; POLG-Related Disorders. Identifiers: MedGen C4763519.

Allele frequency attached by ClinVar (database versions not stated): gnomAD exomes below 0.00001; ExAC 0.00001.
gnomAD v4.1: 2 of 1,614,120 alleles (0.00012%); highest among the groups gnomAD compares: Admixed American, 0.0033%; no homozygotes.

Submissions (4):

PreventionGenetics, part of Exact Sciences
Classification: Uncertain significance for POLG-related condition. Last evaluated: 2026-05-26. Review status: criteria provided, single submitter. Criteria: ACMG Guidelines, 2015. Collection method: clinical testing. Allele origin: germline.
Comment: The POLG c.3614G>C variant is predicted to result in the amino acid substitution p.Gly1205Ala. This variant has been reported in an individual with developmental delay and seizures (Wong et al. 2008. PubMed ID: 18546365). This variant is reported in 0.0029% of alleles in individuals of Latino descent in gnomAD. An alternate nucleotide change affecting the same amino acid (p.Gly1205Glu), has been reported in an individual with POLG-associated disease (Uusimaa et al. 2013. PubMed ID: 23448099). At this time, the clinical significance of the c.3614G>C (p.Gly1205Ala) variant is uncertain due to the absence of conclusive functional and genetic evidence.

Labcorp Genetics (formerly Invitae), Labcorp
Classification: Uncertain significance for Progressive sclerosing poliodystrophy. Last evaluated: 2024-12-24. Review status: criteria provided, single submitter. Criteria: Invitae Variant Classification Sherloc (09022015). Collection method: clinical testing. Allele origin: germline.
Comment: This sequence change replaces glycine, which is neutral and non-polar, with alanine, which is neutral and non-polar, at codon 1205 of the POLG protein (p.Gly1205Ala). This variant is present in population databases (rs772737979, gnomAD 0.006%). This missense change has been observed in individual(s) with clinical features of POLG-related conditions (PMID: 18546365). ClinVar contains an entry for this variant (Variation ID: 619343). Invitae Evidence Modeling of protein sequence and biophysical properties (such as structural, functional, and spatial information, amino acid conservation, physicochemical variation, residue mobility, and thermodynamic stability) indicates that this missense variant is expected to disrupt POLG protein function with a positive predictive value of 95%. This variant disrupts the p.Gly1205 amino acid residue in POLG. Other variant(s) that disrupt this residue have been observed in individuals with POLG-related conditions (PMID: 23448099), which suggests that this may be a clinically significant amino acid residue. In summary, the available evidence is currently insufficient to determine the role of this variant in disease. Therefore, it has been classified as a Variant of Uncertain Significance.

Blueprint Genetics
Classification: Uncertain significance. Last evaluated: 2021-04-21. Review status: criteria provided, single submitter. Criteria: ACMG Guidelines, 2015. Collection method: clinical testing. Allele origin: germline.

Wong Mito Lab, Molecular and Human Genetics, Baylor College of Medicine
Classification: Likely pathogenic for Progressive sclerosing poliodystrophy. Last evaluated: 2018-10-01. Review status: criteria provided, single submitter. Criteria: ACMG Guidelines, 2015. Collection method: clinical testing. Allele origin: germline.
Comment: The NM_002693.2:c.3614G>C (NP_002684.1:p.Gly1205Ala) [GRCH38: NC_000015.10:g.89317405C>G] variant in POLG gene is interpretated to be a Likely Pathogenic based on ACMG guidelines (PMID: 25741868). This variant has been reported in PMID:18546365 . This variant meets the following evidence codes reported in the ACMG-guideline. PM2:This variant is absent in key population databases. PM3:Detected in trans with a pathogenic variant for Mitochondrial DNA depletion syndrome 4A (Alpers type) which is a recessive disorder. PP1:This variant is co-segregated with Mitochondrial DNA depletion syndrome 4A (Alpers type) in multiple affected family members. PP2:This is a missense variant in POLG with a low rate of benign and high rate of pathogenic missense variations. PP3:Computational evidence/predictors indicate the variant has deleterious effect on POLG structure, function, or protein-protein interaction. PP4:Patient's phenotype or family history is highly specific for POLG. Based on the evidence criteria codes applied, the variant is suggested to be Likely Pathogenic.

Literature cited by the submitters: PubMed 18546365 (cited by Labcorp Genetics (formerly Invitae), Labcorp and Wong Mito Lab, Molecular and Human Genetics, Baylor College of Medicine); PubMed 23448099 (cited by Labcorp Genetics (formerly Invitae), Labcorp).

NM_002693.3(POLG):c.3614G>C (p.Gly1205Ala)

Gene: POLG (DNA polymerase gamma, catalytic subunit; minus strand). Cytogenetic location: 15q26.1.
Variant type: single nucleotide variant.
Coding change: c.3614G>C on transcript NM_002693.3 (MANE Select); coding-DNA position 3614, G replaced by C.
Protein change: p.Gly1205Ala; replaces glycine 1205 with alanine.
Molecular consequence: missense variant.
Genome position (GRCh38, 1-based): chr15:89,317,405, C>G on the plus strand (G>C on the coding strand, the complement: POLG is on the minus strand). VCF-style: chr15-89317405-C-G. GRCh37 (hg19) VCF-style: chr15-89860636-C-G.
Other names: c.3614G>C, p.Gly1205Ala (NM_001126131.2); short protein forms G1205A.
Identifiers: ClinVar variation 619343 (VCV000619343.17), dbSNP rs772737979, ClinGen allele CA7724084.